The following is an entry in ClinVar:

NM_021098.3(CACNA1H):c.5065G>A (p.Val1689Met)

Gene: CACNA1H (calcium voltage-gated channel subunit alpha1 H; plus strand). Cytogenetic location: 16p13.3.
Variant type: single nucleotide variant.
Coding change: c.5065G>A on transcript NM_021098.3 (MANE Select); coding-DNA position 5065, G replaced by A.
Protein change: p.Val1689Met; replaces valine 1689 with methionine.
Molecular consequence: missense variant.
Genome position (GRCh38, 1-based): chr16:1,215,267, G>A. VCF-style: chr16-1215267-G-A. GRCh37 (hg19) VCF-style: chr16-1265267-G-A.
Other names: c.5047G>A, p.Val1683Met (NM_001005407.2); short protein forms V1683M, V1689M.
Identifiers: ClinVar variation 1498947 (VCV001498947.10), dbSNP rs754276994, ClinGen allele CA7801782.

ClinVar aggregate classification (germline): Uncertain significance. Review status: criteria provided, multiple submitters, no conflicts (2 of 4 stars). 3 submissions from 3 submitters: Uncertain significance (3). Last evaluated 2024-05-15.

Conditions:
Idiopathic generalized epilepsy. Also called: EIG; Generalised epilepsy. Identifiers: MedGen C0270850, MONDO:0005579, OMIM 600669.
Hyperaldosteronism, familial, type IV (HALD4). Also called: FH IV; ALDOSTERONISM, PRIMARY, AND HYPERTENSION. Identifiers: Orphanet 642671, MedGen C4310756, MONDO:0014875, OMIM 617027.
Epilepsy, childhood absence, susceptibility to, 6. Identifiers: Orphanet 64280, MedGen C2749872, MONDO:0012763, OMIM 611942.

Allele frequency attached by ClinVar (database versions not stated): gnomAD 0.00001; gnomAD exomes 0.00002 and 0.00004; TOPMed 0.00003; ExAC 0.00004.

Submissions (3):

Labcorp Genetics (formerly Invitae), Labcorp
Classification: Uncertain significance for Idiopathic generalized epilepsy; Hyperaldosteronism, familial, type IV. Last evaluated: 2024-05-15. Review status: criteria provided, single submitter. Criteria: Invitae Variant Classification Sherloc (09022015). Collection method: clinical testing. Allele origin: germline.
Comment: This sequence change replaces valine, which is neutral and non-polar, with methionine, which is neutral and non-polar, at codon 1689 of the CACNA1H protein (p.Val1689Met). This variant is present in population databases (rs754276994, gnomAD 0.005%). This variant has not been reported in the literature in individuals affected with CACNA1H-related conditions. This variant is also known as V1683M. ClinVar contains an entry for this variant (Variation ID: 1498947). Advanced modeling of protein sequence and biophysical properties (such as structural, functional, and spatial information, amino acid conservation, physicochemical variation, residue mobility, and thermodynamic stability) performed at Invitae indicates that this missense variant is expected to disrupt CACNA1H protein function with a positive predictive value of 80%. Experimental studies have shown that this missense change affects CACNA1H function (PMID: 27331657). In summary, the available evidence is currently insufficient to determine the role of this variant in disease. Therefore, it has been classified as a Variant of Uncertain Significance.

Fulgent Genetics
Classification: Uncertain significance for Epilepsy, childhood absence, susceptibility to, 6; Hyperaldosteronism, familial, type IV. Last evaluated: 2021-08-12. Review status: criteria provided, single submitter. Criteria: ACMG Guidelines, 2015. Collection method: clinical testing. Allele origin: unknown.

Revvity Omics, Revvity
Classification: Uncertain significance for Hyperaldosteronism, familial, type IV. Last evaluated: 2021-01-21. Review status: criteria provided, single submitter. Criteria: ACMG Guidelines, 2015. Collection method: clinical testing. Allele origin: germline.

Literature cited by the submitters: PubMed 27331657 (cited by Labcorp Genetics (formerly Invitae), Labcorp).